The following is an entry in ClinVar:

NM_020631.6(PLEKHG5):c.865C>T (p.Pro289Ser)

Gene: PLEKHG5 (pleckstrin homology and RhoGEF domain containing G5; minus strand). Cytogenetic location: 1p36.31.
Variant type: single nucleotide variant.
Coding change: c.865C>T on transcript NM_020631.6 (MANE Select); coding-DNA position 865, C replaced by T.
Protein change: p.Pro289Ser; replaces proline 289 with serine.
Molecular consequence: missense variant.
Genome position (GRCh38, 1-based): chr1:6,473,105, G>A on the plus strand (C>T on the coding strand, the complement: PLEKHG5 is on the minus strand). VCF-style: chr1-6473105-G-A. GRCh37 (hg19) VCF-style: chr1-6533165-G-A.
Other names: c.865C>T, p.Pro289Ser (NM_198681.4, NM_001042664.2, NM_001042665.2 and 1 more transcripts); c.976C>T, p.Pro326Ser (NM_001042663.3, NM_001265592.2); c.1072C>T, p.Pro358Ser (NM_001265593.2); short protein forms P289S, P358S, P326S.
Identifiers: ClinVar variation 297964 (VCV000297964.18), dbSNP rs373198302, ClinGen allele CA561730.

ClinVar aggregate classification (germline): Uncertain significance. Review status: criteria provided, multiple submitters, no conflicts (2 of 4 stars). 7 submissions from 7 submitters: Uncertain significance (7). Last evaluated 2026-05-27.

Conditions:
Charcot-Marie-Tooth disease recessive intermediate C. Also called: CHARCOT-MARIE-TOOTH NEUROPATHY, RECESSIVE INTERMEDIATE C. Identifiers: Orphanet 369867, MedGen C3809309, MONDO:0014154, OMIM 615376.
Neuronopathy, distal hereditary motor, autosomal recessive 4. Also called: NEUROPATHY, DISTAL HEREDITARY MOTOR, AUTOSOMAL RECESSIVE 4; Autosomal recessive lower motor neuron disease with childhood onset. Identifiers: Orphanet 206580, MedGen C1970211, MONDO:0012608, OMIM 611067.
PLEKHG5-related disorder. Also called: PLEKHG5-related condition.
Inborn genetic diseases. Identifiers: MedGen C0950123, MeSH D030342.

Allele frequency attached by ClinVar (database versions not stated): gnomAD 0.00002 and 0.00003; gnomAD exomes 0.00002 and 0.00004; TOPMed 0.00003; ExAC 0.00005; ESP Exome Variant Server 0.00008.
gnomAD v4.1: 60 of 1,613,950 alleles (0.0037%); highest among the groups gnomAD compares: Middle Eastern, 0.26%; no homozygotes.

Submissions (7):

PreventionGenetics, part of Exact Sciences
Classification: Uncertain significance for PLEKHG5-related condition. Last evaluated: 2026-05-27. Review status: criteria provided, single submitter. Criteria: ACMG Guidelines, 2015. Collection method: clinical testing. Allele origin: germline.
Comment: The PLEKHG5 c.865C>T variant is predicted to result in the amino acid substitution p.Pro289Ser. To our knowledge, this variant has not been reported in the literature. This variant is reported in 0.0035% of alleles in individuals of European (Non-Finnish) descent in gnomAD. At this time, the clinical significance of this variant is uncertain due to the absence of conclusive functional and genetic evidence.

GeneDx
Classification: Uncertain significance. Last evaluated: 2024-12-18. Review status: criteria provided, single submitter. Criteria: GeneDx Variant Classification Process June 2021. Collection method: clinical testing. Allele origin: germline.
Comment: Not observed at significant frequency in large population cohorts (gnomAD); In silico analysis supports that this missense variant has a deleterious effect on protein structure/function; Has not been previously published as pathogenic or benign to our knowledge

Ambry Genetics
Classification: Uncertain significance for Inborn genetic diseases. Last evaluated: 2023-08-08. Review status: criteria provided, single submitter. Criteria: Ambry Variant Classification Scheme 2023. Collection method: clinical testing. Allele origin: germline.

Labcorp Genetics (formerly Invitae), Labcorp
Classification: Uncertain significance for Neuronopathy, distal hereditary motor, autosomal recessive 4; Charcot-Marie-Tooth disease recessive intermediate C. Last evaluated: 2022-07-17. Review status: criteria provided, single submitter. Criteria: Invitae Variant Classification Sherloc (09022015). Collection method: clinical testing. Allele origin: germline.
Comment: This sequence change replaces proline, which is neutral and non-polar, with serine, which is neutral and polar, at codon 289 of the PLEKHG5 protein (p.Pro289Ser). This variant is present in population databases (rs373198302, gnomAD 0.005%). This variant has not been reported in the literature in individuals affected with PLEKHG5-related conditions. ClinVar contains an entry for this variant (Variation ID: 297964). Algorithms developed to predict the effect of missense changes on protein structure and function are either unavailable or do not agree on the potential impact of this missense change (SIFT: "Deleterious"; PolyPhen-2: "Possibly Damaging"; Align-GVGD: "Class C0"). In summary, the available evidence is currently insufficient to determine the role of this variant in disease. Therefore, it has been classified as a Variant of Uncertain Significance.

Baylor Genetics
Classification: Uncertain significance for Charcot-Marie-Tooth disease recessive intermediate C. Last evaluated: 2020-06-09. Review status: criteria provided, single submitter. Criteria: ACMG Guidelines, 2015. Collection method: clinical testing. Allele origin: unknown. Affected: yes.
Comment: This variant was determined to be of uncertain significance according to ACMG Guidelines, 2015 [PMID:25741868].

Illumina Laboratory Services, Illumina
Classification: Uncertain significance for Neuronopathy, distal hereditary motor, autosomal recessive 4. Last evaluated: 2018-01-13. Review status: criteria provided, single submitter. Criteria: ICSL Variant Classification Criteria 13 December 2019. Collection method: clinical testing. Allele origin: germline.

Breakthrough Genomics
Classification: Uncertain significance. Review status: criteria provided, single submitter. Criteria: ACMG Guidelines, 2015. Collection method: not provided. Allele origin: germline. Inheritance: Autosomal recessive inheritance. Affected: yes.